The following is an entry in ClinVar:

ClinVar aggregate classification (germline): Likely pathogenic. Review status: criteria provided, multiple submitters, no conflicts (2 of 4 stars). 2 submissions from 2 submitters: Likely pathogenic (2). Last evaluated 2025-07-22.

Conditions:
Hereditary cancer-predisposing syndrome. Also called: Hereditary Cancer Syndrome; Tumor predisposition; Hereditary neoplastic syndrome; Neoplastic Syndromes, Hereditary. Identifiers: Orphanet 140162, MedGen C0027672, MeSH D009386, MONDO:0015356.
Cardiovascular phenotype. Identifiers: MedGen CN230736.

Submissions (2):

GeneDx
Classification: Likely pathogenic. Last evaluated: 2025-07-22. Review status: criteria provided, single submitter. Criteria: GeneDx Variant Classification Process June 2021. Collection method: clinical testing. Allele origin: germline. Affected: yes.
Comment: RNA studies demonstrate a damaging effect: aberrant splicing resulting in exon skipping (External communication with Ambry Genetics); In silico analysis supports a deleterious effect on splicing; Not observed at significant frequency in large population cohorts (gnomAD); Has not been previously published as pathogenic or benign to our knowledge

Ambry Genetics
Classification: Likely pathogenic for Cardiovascular phenotype; Hereditary cancer-predisposing syndrome. Last evaluated: 2024-11-15. Review status: criteria provided, single submitter. Criteria: Ambry Variant Classification Scheme 2023. Collection method: clinical testing. Allele origin: germline.
Comment: The c.655-7_655-2delTTTATA intronic variant, located in intron 6 of the NF1 gene, results from a deletion of 6 nucleotides within intron 6 of the NF1 gene. This nucleotide position is well conserved in available vertebrate species. In silico splice site analysis predicts that this alteration will weaken the native splice acceptor site. RNA studies have demonstrated that this alteration results in abnormal splicing in the set of samples tested (Ambry internal data). This variant is considered to be rare based on population cohorts in the Genome Aggregation Database (gnomAD). Based on the majority of available evidence to date, this variant is likely to be pathogenic.

NM_001042492.3(NF1):c.655-7_655-2del

Gene: NF1 (neurofibromin 1; plus strand). Cytogenetic location: 17q11.2.
Variant type: Deletion.
Coding change: c.655-7_655-2del on transcript NM_001042492.3 (MANE Select); 7 bases into the intron before coding-DNA position 655 through the canonical splice acceptor site of the intron before coding-DNA position 655, 6 bases deleted (TTTATA; older notation c.655-7_655-2delTTTATA).
Molecular consequence: splice acceptor variant.
Genome position (GRCh38, 1-based): chr17:31,181,703-31,181,708, TTTATA deleted; deleting any 6 consecutive bases within chr17:31,181,701-31,181,708 gives the same sequence; the c. name uses the placement nearest the transcript's 3' end. VCF-style (leftmost placement, unchanged base first): chr17-31181700-TTATTTA-T. GRCh37 (hg19) VCF-style: chr17-29508718-TTATTTA-T.
Other names: c.655-7_655-2del (NM_000267.4, NM_001128147.3); c.655-7_655-2delTTTATA (NM_000267.3).
Identifiers: ClinVar variation 3404720 (VCV003404720.2).
Genomic context (GRCh38, chr17:31,181,700, plus strand): 5'-GAAGTTTGTGACATTTTATTTACTGTATTACAAAAAATCACTGTAAAGACATGTGGTTCT[TTATTTA>T]TAGGCATTTTGGAACTGGGTAGAAAATTATCCAGATGAATTTACAAAACTGTACCAGATC-3'